The following is an entry in ClinVar:

NM_001044.5(SLC6A3):c.163G>A (p.Val55Met)

Gene: SLC6A3 (solute carrier family 6 member 3). Cytogenetic location: 5p15.33.
Variant type: single nucleotide variant.
Coding change: c.163G>A on transcript NM_001044.5 (MANE Select); coding-DNA position 163, G replaced by A.
Protein change: p.Val55Met; replaces valine 55 with methionine.
Molecular consequence: missense variant.
Genome position (GRCh38, 1-based): chr5:1,443,035, C>T on the plus strand (G>A on the coding strand, the complement: SLC6A3 is on the minus strand). VCF-style: chr5-1443035-C-T. GRCh37 (hg19) VCF-style: chr5-1443150-C-T.
Other names: c.163G>A (NM_001044.4); short protein forms V55M.
Identifiers: ClinVar variation 1431459 (VCV001431459.6), dbSNP rs751986313, ClinGen allele CA3186463.

ClinVar aggregate classification (germline): Uncertain significance. Review status: criteria provided, multiple submitters, no conflicts (2 of 4 stars). 2 submissions from 2 submitters: Uncertain significance (2). Last evaluated 2024-11-11.

Conditions:
Parkinsonism-dystonia, infantile. Identifiers: Orphanet 238455, MedGen C2751067, MONDO:0013150.

Allele frequency attached by ClinVar (database versions not stated): gnomAD 0.00001; TOPMed 0.00001; ExAC 0.00002.
gnomAD v4.1: 13 of 1,614,116 alleles (0.00081%); highest among the groups gnomAD compares: South Asian, 0.0044%; no homozygotes.

Submissions (2):

GeneDx
Classification: Uncertain significance. Last evaluated: 2024-11-11. Review status: criteria provided, single submitter. Criteria: GeneDx Variant Classification Process June 2021. Collection method: clinical testing. Allele origin: germline. Affected: yes.
Comment: Not observed at significant frequency in large population cohorts (gnomAD); In silico analysis indicates that this missense variant does not alter protein structure/function; Has not been previously published as pathogenic or benign to our knowledge

Labcorp Genetics (formerly Invitae), Labcorp
Classification: Uncertain significance for Parkinsonism-dystonia, infantile. Last evaluated: 2022-06-13. Review status: criteria provided, single submitter. Criteria: Invitae Variant Classification Sherloc (09022015). Collection method: clinical testing. Allele origin: germline.
Comment: This sequence change replaces valine, which is neutral and non-polar, with methionine, which is neutral and non-polar, at codon 55 of the SLC6A3 protein (p.Val55Met). This variant is present in population databases (rs751986313, gnomAD 0.006%). This variant has not been reported in the literature in individuals affected with SLC6A3-related conditions. Algorithms developed to predict the effect of missense changes on protein structure and function output the following: SIFT: "Tolerated"; PolyPhen-2: "Benign"; Align-GVGD: "Class C0". The methionine amino acid residue is found in multiple mammalian species, which suggests that this missense change does not adversely affect protein function. In summary, the available evidence is currently insufficient to determine the role of this variant in disease. Therefore, it has been classified as a Variant of Uncertain Significance.